The following is an entry in ClinVar:

ClinVar aggregate classification (germline): Uncertain significance. Review status: criteria provided, multiple submitters, no conflicts (2 of 4 stars). 2 submissions from 2 submitters: Uncertain significance (2). Last evaluated 2026-05-19.

Conditions:
Hereditary cancer-predisposing syndrome. Also called: Tumor predisposition; Neoplastic Syndromes, Hereditary; Hereditary Cancer Syndrome; Hereditary neoplastic syndrome. Identifiers: Orphanet 140162, MedGen C0027672, MeSH D009386, MONDO:0015356.
Rhabdoid tumor predisposition syndrome 2 (RTPS2). Identifiers: Orphanet 231108, Orphanet 69077, MedGen C2750074, MONDO:0013224, OMIM 613325.

Allele frequency attached by ClinVar (database versions not stated): TOPMed below 0.00001.

Submissions (2):

Ambry Genetics
Classification: Uncertain significance for Hereditary cancer-predisposing syndrome. Last evaluated: 2026-05-19. Review status: criteria provided, single submitter. Criteria: Ambry Variant Classification Scheme 2023. Collection method: clinical testing. Allele origin: germline.
Comment: The p.E670Q variant (also known as c.2008G>C), located in coding exon 13 of the SMARCA4 gene, results from a G to C substitution at nucleotide position 2008. The glutamic acid at codon 670 is replaced by glutamine, an amino acid with highly similar properties. This amino acid position is conserved. In addition, this alteration is predicted to be tolerated by in silico analysis. Based on the available evidence, the clinical significance of this variant remains unclear.

Labcorp Genetics (formerly Invitae), Labcorp
Classification: Uncertain significance for Rhabdoid tumor predisposition syndrome 2. Last evaluated: 2021-07-13. Review status: criteria provided, single submitter. Criteria: Invitae Variant Classification Sherloc (09022015). Collection method: clinical testing. Allele origin: germline.
Comment: This variant is not present in population databases (ExAC no frequency). In summary, the available evidence is currently insufficient to determine the role of this variant in disease. Therefore, it has been classified as a Variant of Uncertain Significance. This sequence change replaces glutamic acid with glutamine at codon 670 of the SMARCA4 protein (p.Glu670Gln). The glutamic acid residue is highly conserved and there is a small physicochemical difference between glutamic acid and glutamine. Algorithms developed to predict the effect of missense changes on protein structure and function are either unavailable or do not agree on the potential impact of this missense change (SIFT: "Deleterious"; PolyPhen-2: "Benign"; Align-GVGD: "Class C0"). This variant has not been reported in the literature in individuals affected with SMARCA4-related conditions.

NM_003072.5(SMARCA4):c.2008G>C (p.Glu670Gln)

Gene: SMARCA4 (SWI/SNF related BAF chromatin remodeling complex subunit ATPase 4; plus strand). Cytogenetic location: 19p13.2.
Variant type: single nucleotide variant.
Coding change: c.2008G>C on transcript NM_003072.5 (MANE Select); coding-DNA position 2008, G replaced by C.
Protein change: p.Glu670Gln; replaces glutamic acid 670 with glutamine.
Molecular consequence: missense variant. On other transcripts: non-coding transcript variant (1).
Genome position (GRCh38, 1-based): chr19:11,007,908, G>C. VCF-style: chr19-11007908-G-C. GRCh37 (hg19) VCF-style: chr19-11118584-G-C.
Other names: c.2008G>C (NM_001128849.1); c.2008G>C, p.Glu670Gln (NM_001128844.3, NM_001128845.2, NM_001128846.2 and 5 more transcripts); short protein forms E670Q.
Identifiers: ClinVar variation 1422573 (VCV001422573.9), dbSNP rs1222324445, ClinGen allele CA404052375.
Genomic context (GRCh38, chr19:11,007,908, plus strand): 5'-CGTCCCCCCTCTCTGGGGGATGAACTGAGGTGACATGGGCTTGTCTCTTGGTAGGAGGAG[G>C]AGGAAGAGCAGCCGCAGGCAGCACAGCCTCCCACCCTGCCCGTGGAGGAGAAGAAGAAGA-3'
Protein context (NP_003063.2, residues 660-680): SGSEEEEEEE[Glu670Gln]EEQPQAAQPP